The following is an entry in ClinVar:

ClinVar aggregate classification (germline): Uncertain significance. Review status: criteria provided, multiple submitters, no conflicts (2 of 4 stars). 2 submissions from 2 submitters: Uncertain significance (2). Last evaluated 2024-06-24.

Conditions:
Hereditary breast ovarian cancer syndrome. Also called: Hereditary breast and ovarian cancer; Hereditary breast and ovarian cancer syndrome (HBOC); Breast and ovarian cancer; Hereditary breast and ovarian cancer syndrome; BRCA1- and BRCA2-Associated Hereditary Breast and Ovarian Cancer; Hereditary breast and/or ovarian cancer syndrome. Identifiers: Orphanet 145, MedGen C0677776, MeSH D061325, MONDO:0003582. Disease mechanism: loss of function.
Hereditary cancer-predisposing syndrome. Also called: Tumor predisposition; Neoplastic Syndromes, Hereditary; Hereditary neoplastic syndrome; Hereditary Cancer Syndrome. Identifiers: Orphanet 140162, MedGen C0027672, MeSH D009386, MONDO:0015356.

Allele frequency attached by ClinVar (database versions not stated): gnomAD exomes below 0.00001.
gnomAD v4.1: 5 of 1,614,206 alleles (0.00031%); highest among the groups gnomAD compares: Non-Finnish European, 0.00042%; no homozygotes.

Submissions (2):

Labcorp Genetics (formerly Invitae), Labcorp
Classification: Uncertain significance for Hereditary breast ovarian cancer syndrome. Last evaluated: 2024-06-24. Review status: criteria provided, single submitter. Criteria: Invitae Variant Classification Sherloc (09022015). Collection method: clinical testing. Allele origin: germline.
Comment: This sequence change replaces isoleucine, which is neutral and non-polar, with methionine, which is neutral and non-polar, at codon 2693 of the BRCA2 protein (p.Ile2693Met). This variant is not present in population databases (gnomAD no frequency). This missense change has been observed in individual(s) with clinical features of BRCA2-related conditions (PMID: 21520333). ClinVar contains an entry for this variant (Variation ID: 630919). Advanced modeling of protein sequence and biophysical properties (such as structural, functional, and spatial information, amino acid conservation, physicochemical variation, residue mobility, and thermodynamic stability) performed at Invitae indicates that this missense variant is not expected to disrupt BRCA2 protein function with a negative predictive value of 95%. In summary, the available evidence is currently insufficient to determine the role of this variant in disease. Therefore, it has been classified as a Variant of Uncertain Significance.

Color Diagnostics, LLC DBA Color Health
Classification: Uncertain significance for Hereditary cancer-predisposing syndrome. Last evaluated: 2023-12-05. Review status: criteria provided, single submitter. Criteria: ACMG Guidelines, 2015. Collection method: clinical testing. Allele origin: germline.
Comment: This missense variant replaces isoleucine with methionine at codon 2693 of the BRCA2 protein. Computational prediction is inconclusive regarding the impact of this variant on protein structure and function (internally defined REVEL score threshold 0.5 < inconclusive < 0.7, PMID: 27666373). To our knowledge, functional studies have not been reported for this variant. This variant has not been reported in individuals affected with BRCA2-related disorders in the literature. This variant has not been identified in the general population by the Genome Aggregation Database (gnomAD). The available evidence is insufficient to determine the role of this variant in disease conclusively. Therefore, this variant is classified as a Variant of Uncertain Significance.

Literature cited by the submitters: PubMed 21520333 (cited by Labcorp Genetics (formerly Invitae), Labcorp).

NM_000059.4(BRCA2):c.8079A>G (p.Ile2693Met)

Gene: BRCA2 (BRCA2 DNA repair associated; plus strand). Cytogenetic location: 13q13.1.
Variant type: single nucleotide variant.
Coding change: c.8079A>G on transcript NM_000059.4 (MANE Select); coding-DNA position 8079, A replaced by G.
Protein change: p.Ile2693Met; replaces isoleucine 2693 with methionine.
Molecular consequence: missense variant.
Genome position (GRCh38, 1-based): chr13:32,363,281, A>G. VCF-style: chr13-32363281-A-G. GRCh37 (hg19) VCF-style: chr13-32937418-A-G.
Other names: short protein forms I2693M.
Identifiers: ClinVar variation 630919 (VCV000630919.13), dbSNP rs1566245426, ClinGen allele CA387749220.
Genomic context (GRCh38, chr13:32,363,281, plus strand): 5'-AAAGATAATGGAAAGGGATGACACAGCTGCAAAAACACTTGTTCTCTGTGTTTCTGACAT[A>G]ATTTCATTGAGCGCAAATATATCTGAAACTTCTAGCAATAAAACTAGTAGTGCAGATACC-3'
Protein context (NP_000050.3, residues 2683-2703): AKTLVLCVSD[Ile2693Met]ISLSANISET